The following is an entry in ClinVar:

ClinVar aggregate classification (germline): Likely benign. Review status: criteria provided, multiple submitters, no conflicts (2 of 4 stars). 2 submissions from 2 submitters: Likely benign (2). Last evaluated 2026-05-31.

Conditions:
INF2-related disorder. Also called: INF2-related condition.
Charcot-Marie-Tooth disease dominant intermediate E. Also called: CHARCOT-MARIE-TOOTH NEUROPATHY WITH FOCAL SEGMENTAL GLOMERULONEPHRITIS. Identifiers: Orphanet 93114, MedGen C4302667, MONDO:0013758, OMIM 614455.
Focal segmental glomerulosclerosis 5 (FSGS5). Identifiers: Orphanet 656, MedGen C2750475, MONDO:0013191, OMIM 613237.

Allele frequency attached by ClinVar (database versions not stated): gnomAD exomes below 0.00001 and 0.00001; ExAC 0.00001; gnomAD 0.00001; TOPMed 0.00002; ESP Exome Variant Server 0.00008.
gnomAD v4.1: 9 of 1,604,390 alleles (0.00056%); highest among the groups gnomAD compares: African/African-American, 0.0027%; no homozygotes.

Submissions (2):

PreventionGenetics, part of Exact Sciences
Classification: Likely benign for INF2-related condition. Last evaluated: 2026-05-31. Review status: criteria provided, single submitter. Criteria: ACMG Guidelines, 2015. Collection method: clinical testing. Allele origin: germline.
Comment: This variant is classified as likely benign based on ACMG/AMP sequence variant interpretation guidelines (Richards et al. 2015 PMID: 25741868, with internal and published modifications).

Labcorp Genetics (formerly Invitae), Labcorp
Classification: Likely benign for Charcot-Marie-Tooth disease dominant intermediate E; Focal segmental glomerulosclerosis 5. Last evaluated: 2025-04-09. Review status: criteria provided, single submitter. Criteria: Invitae Variant Classification Sherloc (09022015). Collection method: clinical testing. Allele origin: germline.

NM_022489.4(INF2):c.246G>A (p.Ala82=)

Gene: INF2 (inverted formin 2; plus strand). Cytogenetic location: 14q32.33.
Variant type: single nucleotide variant.
Coding change: c.246G>A on transcript NM_022489.4 (MANE Select); coding-DNA position 246, G replaced by A.
Protein change: p.Ala82=; no amino-acid change (alanine 82 retained).
Molecular consequence: synonymous variant.
Genome position (GRCh38, 1-based): chr14:104,701,611, G>A. VCF-style: chr14-104701611-G-A. GRCh37 (hg19) VCF-style: chr14-105167948-G-A.
Other names: c.246G>A, p.Ala82= (NM_001031714.4, NM_032714.3).
Identifiers: ClinVar variation 757849 (VCV000757849.11), dbSNP rs377173164, ClinGen allele CA7372246.
Genomic context (GRCh38, chr14:104,701,611, plus strand): 5'-CGGCTGGATGGTGCAGTTCCTGGAGCAGAGCGGCCTGGACCTGCTGCTGGAGGCGCTGGC[G>A]CGGCTGTCGGGCCGCGGCGTTGCACGTATCTCCGACGCCCTGCTGCAGCTCACCTGCGTC-3'
Protein context (NP_071934.3, residues 72-92): SGLDLLLEAL[Ala82=]RLSGRGVARI